The following is an entry in ClinVar:

NM_018124.4(RFWD3):c.1494_1495delinsCA (p.Lys498_Gln499delinsAsnLys)

Gene: RFWD3 (ring finger and WD repeat domain 3; minus strand). Cytogenetic location: 16q23.1.
Variant type: Indel.
Coding change: c.1494_1495delinsCA on transcript NM_018124.4 (MANE Select); coding-DNA positions 1494 to 1495, AC replaced by CA.
Protein change: p.Lys498_Gln499delinsAsnLys.
Molecular consequence: missense variant.
Genome position (GRCh38, 1-based): chr16:74,632,605-74,632,606, GT replaced by TG on the plus strand (AC replaced by CA on the coding strand, the reverse complement: RFWD3 is on the minus strand). VCF-style: chr16-74632605-GT-TG. GRCh37 (hg19) VCF-style: chr16-74666503-GT-TG.
Other names: c.1494_1495delinsCA, p.Lys498_Gln499delinsAsnLys (NM_001370534.1, NM_001370535.1, NM_001370536.1); c.660_661delinsCA, p.Lys220_Gln221delinsAsnLys (NM_001370537.1, NM_001370539.1, NM_001370540.1 and 2 more transcripts).
Identifiers: ClinVar variation 3639741 (VCV003639741.2).
Genomic context (GRCh38, chr16:74,632,605, plus strand): 5'-CTAGGGAAGCAGAGAGTAGCAAGCCTCTGAGGTAACTGCTAAACGCCAGTCCACGGATCT[GT>TG]TTGCCATGCATCGGAATGTACTGACTGCTCTTCATGTTGGCAGTACTCAACATCTTAACA-3'

ClinVar aggregate classification (germline): Uncertain significance (1 of 4 stars; one submission).

Submission:

Labcorp Genetics (formerly Invitae), Labcorp
Classification: Uncertain significance. Last evaluated: 2024-02-17. Review status: criteria provided, single submitter. Criteria: Invitae Variant Classification Sherloc (09022015). Collection method: clinical testing. Allele origin: germline.
Comment: This variant, c.1494_1495delinsCA, is a complex sequence change that results in the deletion of 2 and insertion of 2 amino acid(s) in the RFWD3 protein (p.Lys498_Gln499delinsAsnLys). Information on the frequency of this variant in the gnomAD database is not available, as this variant may be reported differently in the database. This variant has not been reported in the literature in individuals affected with RFWD3-related conditions. Experimental studies and prediction algorithms are not available or were not evaluated, and the functional significance of this variant is currently unknown. In summary, the available evidence is currently insufficient to determine the role of this variant in disease. Therefore, it has been classified as a Variant of Uncertain Significance.